The following is an entry in ClinVar:

NM_005909.5(MAP1B):c.5193C>A (p.Ser1731=)

Gene: MAP1B (microtubule associated protein 1B; plus strand). Cytogenetic location: 5q13.2.
Variant type: single nucleotide variant.
Coding change: c.5193C>A on transcript NM_005909.5 (MANE Select); coding-DNA position 5193, C replaced by A.
Protein change: p.Ser1731=; no amino-acid change (serine 1731 retained).
Molecular consequence: synonymous variant.
Genome position (GRCh38, 1-based): chr5:72,198,548, C>A. VCF-style: chr5-72198548-C-A. GRCh37 (hg19) VCF-style: chr5-71494375-C-A.
Other names: c.4815C>A, p.Ser1605= (NM_001324255.2).
Identifiers: ClinVar variation 782815 (VCV000782815.7), dbSNP rs78388066, ClinGen allele CA3299281.

ClinVar aggregate classification (germline): Benign/Likely benign. Review status: criteria provided, multiple submitters, no conflicts (2 of 4 stars). 3 submissions from 3 submitters: Benign (1); Likely benign (1). 1 of the submissions does not count toward it. Last evaluated 2021-09-17.

Conditions:
Hearing loss, autosomal dominant 83. Also called: Deafness, autosomal dominant 83. Identifiers: MedGen C5676951, MONDO:0030723, OMIM 619808.
Periventricular nodular heterotopia 9. Identifiers: MedGen C5394503, MONDO:0030061, OMIM 618918.
MAP1B-related disorder. Also called: MAP1B-related condition.

Allele frequency attached by ClinVar (database versions not stated): gnomAD exomes 0.00054 and 0.00226; TOPMed 0.00122; gnomAD 0.00159; ExAC 0.00192; 1000 Genomes Project 30x 0.00640; 1000 Genomes Project 0.00659.
gnomAD v4.1: 1,104 of 1,614,020 alleles (0.068%); highest among the groups gnomAD compares: East Asian, 1.8%; 17 homozygotes.

Submissions (3):

Fulgent Genetics
Classification: Likely benign for Periventricular nodular heterotopia 9; Hearing loss, autosomal dominant 83. Last evaluated: 2021-09-17. Review status: criteria provided, single submitter. Criteria: ACMG Guidelines, 2015. Collection method: clinical testing. Allele origin: unknown.

Labcorp Genetics (formerly Invitae), Labcorp
Classification: Benign. Last evaluated: 2019-12-31. Review status: criteria provided, single submitter. Criteria: Invitae Variant Classification Sherloc (09022015). Collection method: clinical testing. Allele origin: germline.

PreventionGenetics, part of Exact Sciences
Classification: Benign for MAP1B-related condition. Last evaluated: 2019-02-26. Review status: no assertion criteria provided. Collection method: clinical testing. Allele origin: germline. Not counted in ClinVar's aggregate classification.
Comment: This variant is classified as benign based on ACMG/AMP sequence variant interpretation guidelines (Richards et al. 2015 PMID: 25741868, with internal and published modifications).